The following is an entry in ClinVar:

ClinVar aggregate classification (germline): Uncertain significance (1 of 4 stars; one submission).

Allele frequency attached by ClinVar (database versions not stated): gnomAD exomes 0.00001; gnomAD 0.00005; TOPMed 0.00014.
gnomAD v4.1: 32 of 1,611,794 alleles (0.002%); highest among the groups gnomAD compares: Admixed American, 0.015%; no homozygotes.

Submission:

Labcorp Genetics (formerly Invitae), Labcorp
Classification: Uncertain significance. Last evaluated: 2021-08-19. Review status: criteria provided, single submitter. Criteria: Invitae Variant Classification Sherloc (09022015). Collection method: clinical testing. Allele origin: germline.
Comment: This sequence change replaces serine with cysteine at codon 123 of the CDSN protein (p.Ser123Cys). The serine residue is moderately conserved and there is a moderate physicochemical difference between serine and cysteine. This variant is not present in population databases (ExAC no frequency). This variant has not been reported in the literature in individuals affected with CDSN-related conditions. Algorithms developed to predict the effect of missense changes on protein structure and function are either unavailable or do not agree on the potential impact of this missense change (SIFT: "Deleterious"; PolyPhen-2: "Not Available"; Align-GVGD: "Class C0"). In summary, the available evidence is currently insufficient to determine the role of this variant in disease. Therefore, it has been classified as a Variant of Uncertain Significance.

NM_001264.5(CDSN):c.368C>G (p.Ser123Cys)

Genes: CDSN (corneodesmosin; minus strand), PSORS1C1 (psoriasis susceptibility 1 candidate 1; plus strand). Cytogenetic location: 6p21.33.
Variant type: single nucleotide variant.
Coding change: c.368C>G on transcript NM_001264.5 (MANE Select); coding-DNA position 368, C replaced by G.
Protein change: p.Ser123Cys; replaces serine 123 with cysteine.
Molecular consequence: missense variant. On other transcripts: intron variant (1).
Genome position (GRCh38, 1-based): chr6:31,117,247, G>C on the plus strand (C>G on the coding strand, the complement: CDSN is on the minus strand). VCF-style: chr6-31117247-G-C. GRCh37 (hg19) VCF-style: chr6-31085024-G-C.
Other names: c.-229+2356G>C (NM_014068.3); short protein forms S123C.
Identifiers: ClinVar variation 1518678 (VCV001518678.6), dbSNP rs201886677, ClinGen allele CA136804505.